The following is an entry in ClinVar:

NM_005689.4(ABCB6):c.2102A>C (p.Gln701Pro)

Gene: ABCB6 (ATP binding cassette subfamily B member 6 (LAN blood group); minus strand). Cytogenetic location: 2q35.
Variant type: single nucleotide variant.
Coding change: c.2102A>C on transcript NM_005689.4 (MANE Select); coding-DNA position 2102, A replaced by C.
Protein change: p.Gln701Pro; replaces glutamine 701 with proline.
Molecular consequence: missense variant.
Genome position (GRCh38, 1-based): chr2:219,210,975, T>G on the plus strand (A>C on the coding strand, the complement: ABCB6 is on the minus strand). VCF-style: chr2-219210975-T-G. GRCh37 (hg19) VCF-style: chr2-220075697-T-G.
Other names: c.1964A>C, p.Gln655Pro (NM_001349828.2); short protein forms Q655P, Q701P.
Identifiers: ClinVar variation 4811182 (VCV004811182.1).

ClinVar aggregate classification (germline): Uncertain significance (1 of 4 stars; one submission).

Submission:

Labcorp Genetics (formerly Invitae), Labcorp
Classification: Uncertain significance. Last evaluated: 2025-07-27. Review status: criteria provided, single submitter. Criteria: Invitae Variant Classification Sherloc (09022015). Collection method: clinical testing. Allele origin: germline.
Comment: This sequence change replaces glutamine, which is neutral and polar, with proline, which is neutral and non-polar, at codon 701 of the ABCB6 protein (p.Gln701Pro). This variant is present in population databases (no rsID available, gnomAD 0.01%). This variant has not been reported in the literature in individuals affected with ABCB6-related conditions. An algorithm developed to predict the effect of missense changes on protein structure and function (PolyPhen-2) suggests that this variant is likely to be tolerated. In summary, the available evidence is currently insufficient to determine the role of this variant in disease. Therefore, it has been classified as a Variant of Uncertain Significance.